The following is an entry in ClinVar:

NM_000334.4(SCN4A):c.1559C>A (p.Pro520Gln)

Gene: SCN4A (sodium voltage-gated channel alpha subunit 4; minus strand). Cytogenetic location: 17q23.3.
Variant type: single nucleotide variant.
Coding change: c.1559C>A on transcript NM_000334.4 (MANE Select); coding-DNA position 1559, C replaced by A.
Protein change: p.Pro520Gln; replaces proline 520 with glutamine.
Molecular consequence: missense variant.
Genome position (GRCh38, 1-based): chr17:63,963,719, G>T on the plus strand (C>A on the coding strand, the complement: SCN4A is on the minus strand). VCF-style: chr17-63963719-G-T. GRCh37 (hg19) VCF-style: chr17-62041079-G-T.
Other names: short protein forms P520Q.
Identifiers: ClinVar variation 1315365 (VCV001315365.2), dbSNP rs753391449, ClinGen allele CA400634503.

ClinVar aggregate classification (germline): Uncertain significance (1 of 4 stars; one submission).

gnomAD v4.1: 1 of 1,601,118 alleles (0.000062%); no homozygotes.

Submission:

GeneDx
Classification: Uncertain significance. Last evaluated: 2020-02-10. Review status: criteria provided, single submitter. Criteria: GeneDx Variant Classification Process June 2021. Collection method: clinical testing. Allele origin: germline. Affected: yes.
Comment: Not observed in large population cohorts (Lek et al., 2016); In silico analysis supports that this missense variant does not alter protein structure/function; Has not been previously published as pathogenic or benign to our knowledge